The following is an entry in ClinVar:

ClinVar aggregate classification (germline): Likely pathogenic. Review status: criteria provided, single submitter (1 of 4 stars). 2 submissions from 2 submitters: Likely pathogenic (1). 1 of the submissions does not count toward it. Last evaluated 2017-04-30.

Conditions:
Tetralogy of Fallot (TOF). Identifiers: Orphanet 3303, MedGen C0039685, MONDO:0008542, OMIM 187500, HP:0001636.
Alagille syndrome due to a JAG1 point mutation. Also called: JAG1-Related Alagille Syndrome; HEPATIC DUCTULAR HYPOPLASIA, SYNDROMATIC; Alagille Syndrome 1. Identifiers: Orphanet 261619, Orphanet 52, MedGen C1956125, MONDO:0016862, OMIM 118450.

Submissions (2):

Labcorp Genetics (formerly Invitae), Labcorp
Classification: Likely pathogenic for Alagille syndrome due to a JAG1 point mutation. Last evaluated: 2017-04-30. Review status: criteria provided, single submitter. Criteria: Invitae Variant Classification Sherloc (09022015). Collection method: clinical testing. Allele origin: germline.
Comment: Experimental studies have shown that this missense change has a deleterious effect on several aspects of JAG1 protein function including structural stability, localization and ability to activate NOTCH signaling (PMID: 19780835, 12649809). This variant has been reported to segregate with tetralogy of Fallot in a large family (PMID:11152664). ClinVar contains an entry for this variant (Variation ID: 7624). This variant is not present in population databases (ExAC no frequency). This sequence change replaces glycine with aspartic acid at codon 274 of the JAG1 protein (p.Gly274Asp). The glycine residue is highly conserved and there is a moderate physicochemical difference between glycine and aspartic acid. In summary this is a rare missense change which has been shown to segregate with disease in one family and affects protein function, for these reasons it has been classified as Likely Pathogenic.

OMIM
Classification: Pathogenic for TETRALOGY OF FALLOT. Last evaluated: 2003-04-01. Review status: no assertion criteria provided. Collection method: literature only. Allele origin: germline. Not counted in ClinVar's aggregate classification.

Literature cited by the submitters: PubMed 19780835 (cited by Labcorp Genetics (formerly Invitae), Labcorp); PubMed 12649809 (cited by Labcorp Genetics (formerly Invitae), Labcorp and OMIM); PubMed 11152664 (cited by Labcorp Genetics (formerly Invitae), Labcorp and OMIM).

NM_000214.3(JAG1):c.821G>A (p.Gly274Asp)

Gene: JAG1 (jagged canonical Notch ligand 1; minus strand). Cytogenetic location: 20p12.2.
Variant type: single nucleotide variant.
Coding change: c.821G>A on transcript NM_000214.3 (MANE Select); coding-DNA position 821, G replaced by A.
Protein change: p.Gly274Asp; replaces glycine 274 with aspartic acid.
Molecular consequence: missense variant.
Genome position (GRCh38, 1-based): chr20:10,652,533, C>T on the plus strand (G>A on the coding strand, the complement: JAG1 is on the minus strand). VCF-style: chr20-10652533-C-T. GRCh37 (hg19) VCF-style: chr20-10633181-C-T.
Other names: c.821G>A, p.Gly274Asp (LRG_1191t1); short protein forms G274D.
Identifiers: ClinVar variation 7624 (VCV000007624.8), dbSNP rs28939668, ClinGen allele CA248605.